The following is an entry in ClinVar:

NM_182931.3(KMT2E):c.2262A>T (p.Ser754=)

Gene: KMT2E (lysine methyltransferase 2E (inactive); plus strand). Cytogenetic location: 7q22.3.
Variant type: single nucleotide variant.
Coding change: c.2262A>T on transcript NM_182931.3 (MANE Select); coding-DNA position 2262, A replaced by T.
Protein change: p.Ser754=; no amino-acid change (serine 754 retained).
Molecular consequence: synonymous variant.
Genome position (GRCh38, 1-based): chr7:105,105,504, A>T. VCF-style: chr7-105105504-A-T. GRCh37 (hg19) VCF-style: chr7-104745951-A-T.
Other names: c.2262A>T, p.Ser754= (NM_001410908.1, NM_018682.4).
Identifiers: ClinVar variation 4873156 (VCV004873156.2).
Genomic context (GRCh38, chr7:105,105,504, plus strand): 5'-GGTTAATGAATGGTTAAGTGAGAAGAATGAGAAGACAGGAAAACCTTCAGATGGCCTTTC[A>T]GAAAGGCCTCTACGCATAACTACAGATCCTGAAGTGTTAGCTACACAACTCAATTCTTTA-3'
Protein context (NP_891847.1, residues 744-764): EKTGKPSDGL[Ser754=]ERPLRITTDP

ClinVar aggregate classification (germline): Likely benign (1 of 4 stars; one submission).

Submission:

CeGaT Center for Human Genetics Tuebingen
Classification: Likely benign. Last evaluated: 2026-04-01. Review status: criteria provided, single submitter. Criteria: CeGaT Center For Human Genetics Tuebingen Variant Classification Criteria Version 2. Collection method: clinical testing. Allele origin: germline. Affected: yes. Observed: 1 variant allele.
Comment: KMT2E: PM2:Supporting, BP4, BP7